The following is an entry in ClinVar:

NM_024496.4(IRF2BPL):c.1066G>C (p.Glu356Gln)

Gene: IRF2BPL (interferon regulatory factor 2 binding protein like; minus strand). Cytogenetic location: 14q24.3.
Variant type: single nucleotide variant.
Coding change: c.1066G>C on transcript NM_024496.4 (MANE Select); coding-DNA position 1066, G replaced by C.
Protein change: p.Glu356Gln; replaces glutamic acid 356 with glutamine.
Molecular consequence: missense variant.
Genome position (GRCh38, 1-based): chr14:77,026,727, C>G on the plus strand (G>C on the coding strand, the complement: IRF2BPL is on the minus strand). VCF-style: chr14-77026727-C-G. GRCh37 (hg19) VCF-style: chr14-77493070-C-G.
Other names: short protein forms E356Q.
Identifiers: ClinVar variation 3341374 (VCV003341374.1).

ClinVar aggregate classification (germline): Uncertain significance (1 of 4 stars; one submission).

Conditions:
Neurodevelopmental disorder with regression, abnormal movements, loss of speech, and seizures. Identifiers: Orphanet 597623, MedGen C4748127, MONDO:0060759, OMIM 618088.

Submission:

Neuberg Centre For Genomic Medicine, NCGM
Classification: Uncertain significance for Neurodevelopmental disorder with regression, abnormal movements, loss of speech, and seizures. Last evaluated: 2023-05-20. Review status: criteria provided, single submitter. Criteria: ACMG Guidelines, 2015. Collection method: clinical testing. Allele origin: germline. Inheritance: Autosomal dominant inheritance. Affected: yes.
Comment: The observed missense c.1066G>C (p.Glu356Gln) variant in IRF2BPL gene has not been reported previously as a pathogenic variant nor as a benign variant, to our knowledge. This variant is absent in the gnomAD Exomes. This variant has not been submitted to the ClinVar database. Multiple lines of computational evidence (Polyphen - Probably Damaging, SIFT - Damaging and MutationTaster - Disease Causing) predict a damaging effect on protein structure and function for this variant. The amino acid change p.Glu356Gln in IRF2BPL is predicted as conserved by GERP++ and PhyloP across 100 vertebrates. The amino acid Glu at position 356 is changed to a Gln changing protein sequence and it might alter its composition and physico-chemical properties. For these reasons, this variant has been classified as a Variant of Uncertain Significance (VUS).